The following is an entry in ClinVar:

ClinVar aggregate classification (germline): Likely pathogenic. Review status: criteria provided, multiple submitters, no conflicts (2 of 4 stars). 3 submissions from 3 submitters: Likely pathogenic (3). Last evaluated 2024-04-09.

Conditions:
Joubert syndrome 17 (JBTS17). Identifiers: Orphanet 475, MedGen C3553264, MONDO:0013824, OMIM 614615.
Orofaciodigital syndrome type 6 (OFD6). Also called: OROFACIODIGITAL SYNDROME VI; OFDS VI; POLYDACTYLY, CLEFT LIP/PALATE OR LINGUAL LUMP, AND PSYCHOMOTOR RETARDATION; VARADI SYNDROME; VARADI-PAPP SYNDROME; Oral-facial-digital syndrome type 6. Identifiers: Orphanet 2754, MedGen C2745997, MONDO:0010176, OMIM 277170.
CPLANE1-related disorders.

Allele frequency attached by ClinVar (database versions not stated): gnomAD exomes below 0.00001 and 0.00001.
gnomAD v4.1: 3 of 1,543,378 alleles (0.00019%); highest among the groups gnomAD compares: Non-Finnish European, 0.00026%; no homozygotes.

Submissions (3):

Fulgent Genetics
Classification: Likely pathogenic for Orofaciodigital syndrome type 6; Joubert syndrome 17. Last evaluated: 2024-04-09. Review status: criteria provided, single submitter. Criteria: ACMG Guidelines, 2015. Collection method: clinical testing. Allele origin: germline.

Blueprint Genetics
Classification: Likely pathogenic for CPLANE1-related disorders. Last evaluated: 2024-02-23. Review status: criteria provided, single submitter. Criteria: ACMG Guidelines, 2015. Collection method: clinical testing. Allele origin: germline. Affected: yes. Observed: 1 variant allele.

Labcorp Genetics (formerly Invitae), Labcorp
Classification: Likely pathogenic. Last evaluated: 2022-12-25. Review status: criteria provided, single submitter. Criteria: Invitae Variant Classification Sherloc (09022015). Collection method: clinical testing. Allele origin: germline.
Comment: ClinVar contains an entry for this variant (Variation ID: 1508858). This sequence change affects an acceptor splice site in intron 12 of the CPLANE1 gene. It is expected to disrupt RNA splicing. Variants that disrupt the donor or acceptor splice site typically lead to a loss of protein function (PMID: 16199547), and loss-of-function variants in CPLANE1 are known to be pathogenic (PMID: 24178751, 26092869). This variant is present in population databases (no rsID available, gnomAD 0.002%). This variant has not been reported in the literature in individuals affected with CPLANE1-related conditions. Algorithms developed to predict the effect of sequence changes on RNA splicing suggest that this variant may disrupt the consensus splice site. In summary, the currently available evidence indicates that the variant is pathogenic, but additional data are needed to prove that conclusively. Therefore, this variant has been classified as Likely Pathogenic.

Literature cited by the submitters: PubMed 16199547 (cited by Labcorp Genetics (formerly Invitae), Labcorp); PubMed 24178751 (cited by Labcorp Genetics (formerly Invitae), Labcorp); PubMed 26092869 (cited by Labcorp Genetics (formerly Invitae), Labcorp).

NM_001384732.1(CPLANE1):c.2292-1G>A

Gene: CPLANE1 (ciliogenesis and planar polarity effector complex subunit 1; minus strand). Cytogenetic location: 5p13.2.
Variant type: single nucleotide variant.
Coding change: c.2292-1G>A on transcript NM_001384732.1 (MANE Select); the canonical splice acceptor site of the intron before coding-DNA position 2292, G replaced by A.
Molecular consequence: splice acceptor variant.
Genome position (GRCh38, 1-based): chr5:37,224,741, C>T on the plus strand (G>A on the coding strand, the complement: CPLANE1 is on the minus strand). VCF-style: chr5-37224741-C-T. GRCh37 (hg19) VCF-style: chr5-37224843-C-T.
Other names: c.2292-1G>A (NM_023073.4, NM_023073.3).
Identifiers: ClinVar variation 1508858 (VCV001508858.8), dbSNP rs1244119341, ClinGen allele CA359494015.